The following is an entry in ClinVar:

NC_012920.1(MT-TN):m.5686A>T

Gene: MT-TN (mitochondrially encoded tRNA asparagine; minus strand).
Variant type: single nucleotide variant.
Genome position: chrM-5686-A-T.
Identifiers: ClinVar variation 689975 (VCV000689975.1), dbSNP rs1603220088, ClinGen allele CA913180234.
Genomic context (GRCh38, chrMT:5,686, plus strand): 5'-AATCAGCCACTTTAATTAAGCTAAGCCCTTACTAGACCAATGGGACTTAAACCCACAAAC[A>T]CTTAGTTAACAGCTAAGCACCCTAATCAACTGGCTTCAATCTACTTCTCCCGCCGCCGGG-3'

ClinVar aggregate classification (germline): Benign (1 of 4 stars; one submission).

Conditions:
MELAS syndrome (MELAS). Also called: Juvenile myopathy, encephalopathy, lactic acidosis, stroke. Identifiers: Orphanet 550, MedGen C0162671, MONDO:0010789, OMIM 540000.

Submission:

Wong Mito Lab, Molecular and Human Genetics, Baylor College of Medicine
Classification: Benign for MELAS syndrome. Last evaluated: 2019-07-12. Review status: criteria provided, single submitter. Criteria: Modified ACMG Guidelines (Unpublished). Collection method: clinical testing. Allele origin: germline.
Comment: The NC_012920.1:m.5686A>T variant in MT-TN gene is interpreted to be a Benign variant based on the modified ACMG guidelines (unpublished). This variant meets the following evidence codes reported in the guidelines: BS1, BS2, BP4

Literature cited by the submitters: PubMed 31965079.